The following is an entry in ClinVar:

ClinVar aggregate classification (germline): Likely benign (1 of 4 stars; one submission).

gnomAD v4.1: 2 of 1,612,312 alleles (0.00012%); highest among the groups gnomAD compares: Non-Finnish European, 0.000085%; no homozygotes.

Submission:

Molecular Diagnostic Laboratory for Inherited Cardiovascular Disease, Montreal Heart Institute
Classification: Likely benign. Last evaluated: 2026-03-27. Review status: criteria provided, single submitter. Criteria: ACMG Guidelines, 2015. Collection method: clinical testing. Allele origin: germline. Affected: no.
Comment: BP1

NM_001267550.2(TTN):c.60322C>T (p.Pro20108Ser)

Genes: TTN (titin; minus strand), TTN-AS1 (TTN antisense RNA 1; plus strand). Cytogenetic location: 2q31.2.
Variant type: single nucleotide variant.
Coding change: c.60322C>T on transcript NM_001267550.2 (MANE Select); coding-DNA position 60322, C replaced by T.
Protein change: p.Pro20108Ser; replaces proline 20108 with serine.
Molecular consequence: missense variant.
Genome position (GRCh38, 1-based): chr2:178,591,403, G>A on the plus strand (C>T on the coding strand, the complement: TTN is on the minus strand). VCF-style: chr2-178591403-G-A. GRCh37 (hg19) VCF-style: chr2-179456130-G-A.
Other names: c.55399C>T, p.Pro18467Ser (NM_001256850.1); c.33127C>T, p.Pro11043Ser (NM_003319.4); c.52618C>T, p.Pro17540Ser (NM_133378.4); c.33502C>T, p.Pro11168Ser (NM_133432.3); c.33703C>T, p.Pro11235Ser (NM_133437.4); short protein forms P11043S, P11168S, P11235S, P17540S, P18467S, P20108S.
Identifiers: ClinVar variation 4820482 (VCV004820482.1).
Genomic context (GRCh38, chr2:178,591,403, plus strand): 5'-CAACTGTGTAGTGCTCATCGGTTTTAATCTCACTCCCATCGGTTGTCCACTTTGCAGTAG[G>A]AACAGGCACACCTCTTATAATAGCAGGGAATCTGACTGTGGTTCCAGCCTTTACCACAAG-3'
Protein context (NP_001254479.2, residues 20098-20118): FPAIIRGVPV[Pro20108Ser]TAKWTTDGSE